The following is an entry in ClinVar:

NM_177438.3(DICER1):c.2632G>A (p.Val878Ile)

Gene: DICER1 (dicer 1, ribonuclease III; minus strand). Cytogenetic location: 14q32.13.
Variant type: single nucleotide variant.
Coding change: c.2632G>A on transcript NM_177438.3 (MANE Select); coding-DNA position 2632, G replaced by A.
Protein change: p.Val878Ile; replaces valine 878 with isoleucine.
Molecular consequence: missense variant. On other transcripts: non-coding transcript variant (6).
Genome position (GRCh38, 1-based): chr14:95,107,898, C>T on the plus strand (G>A on the coding strand, the complement: DICER1 is on the minus strand). VCF-style: chr14-95107898-C-T. GRCh37 (hg19) VCF-style: chr14-95574235-C-T.
Other names: c.2632G>A, p.Val878Ile (NM_001195573.1, NM_001271282.3, NM_001291628.2 and 13 more transcripts); c.2350G>A, p.Val784Ile (NM_001395686.1); c.2227G>A, p.Val743Ile (NM_001395687.1, NM_001395688.1, NM_001395689.1 and 2 more transcripts); c.2065G>A, p.Val689Ile (NM_001395691.1); c.949G>A, p.Val317Ile (NM_001395697.1); short protein forms V689I, V878I, V317I, V743I, V784I.
Identifiers: ClinVar variation 1794075 (VCV001794075.3), dbSNP rs2542837945, ClinGen allele CA390881184.

ClinVar aggregate classification (germline): Uncertain significance (1 of 4 stars; one submission).

Conditions:
Hereditary cancer-predisposing syndrome. Also called: Tumor predisposition; Hereditary Cancer Syndrome; Neoplastic Syndromes, Hereditary; Hereditary neoplastic syndrome. Identifiers: Orphanet 140162, MedGen C0027672, MeSH D009386, MONDO:0015356.

Submission:

Ambry Genetics
Classification: Uncertain significance for Hereditary cancer-predisposing syndrome. Last evaluated: 2025-12-11. Review status: criteria provided, single submitter. Criteria: Ambry Variant Classification Scheme 2023. Collection method: clinical testing. Allele origin: germline.
Comment: The p.V878I variant (also known as c.2632G>A), located in coding exon 15 of the DICER1 gene, results from a G to A substitution at nucleotide position 2632. The valine at codon 878 is replaced by isoleucine, an amino acid with highly similar properties. This amino acid position is highly conserved in available vertebrate species. In addition, the in silico prediction for this alteration is inconclusive. Based on the available evidence, the clinical significance of this variant remains unclear.